The following is an entry in ClinVar:

NM_017950.4(CCDC40):c.1714T>C (p.Cys572Arg)

Gene: CCDC40 (coiled-coil domain 40 molecular ruler complex subunit; plus strand). Cytogenetic location: 17q25.3.
Variant type: single nucleotide variant.
Coding change: c.1714T>C on transcript NM_017950.4 (MANE Select); coding-DNA position 1714, T replaced by C.
Protein change: p.Cys572Arg; replaces cysteine 572 with arginine.
Molecular consequence: missense variant.
Genome position (GRCh38, 1-based): chr17:80,081,697, T>C. VCF-style: chr17-80081697-T-C. GRCh37 (hg19) VCF-style: chr17-78055496-T-C.
Other names: c.1714T>C, p.Cys572Arg (NM_001243342.2); short protein forms C572R.
Identifiers: ClinVar variation 407765 (VCV000407765.13), dbSNP rs199786478, ClinGen allele CA8814001.
Genomic context (GRCh38, chr17:80,081,697, plus strand): 5'-GCGAGCATCCTGAACCGGACAGAGACGGAAGCCACACTGCTGCAGAAGCTCACCACCCAG[T>C]GCCTGACCAAGCAGGTGGCCCTGCAGAGCCAGTTCAATACCTACAGGCTCACCCTGCAGG-3'
Protein context (NP_060420.2, residues 562-582): ATLLQKLTTQ[Cys572Arg]LTKQVALQSQ

ClinVar aggregate classification (germline): Uncertain significance. Review status: criteria provided, multiple submitters, no conflicts (2 of 4 stars). 2 submissions from 2 submitters: Uncertain significance (2). Last evaluated 2023-11-27.

Conditions:
Primary ciliary dyskinesia. Also called: Ciliary dyskinesia. Identifiers: Orphanet 244, MedGen C0008780, MONDO:0016575, HP:0012265.

Allele frequency attached by ClinVar (database versions not stated): 1000 Genomes Project 0.00020; gnomAD exomes 0.00020; gnomAD below 0.00001 and 0.00004; TOPMed 0.00002; 1000 Genomes Project 30x 0.00016; ExAC 0.00019.
gnomAD v4.1: 120 of 1,614,164 alleles (0.0074%); highest among the groups gnomAD compares: South Asian, 0.12%; no homozygotes.

Submissions (2):

Labcorp Genetics (formerly Invitae), Labcorp
Classification: Uncertain significance for Primary ciliary dyskinesia. Last evaluated: 2023-11-27. Review status: criteria provided, single submitter. Criteria: Invitae Variant Classification Sherloc (09022015). Collection method: clinical testing. Allele origin: germline.
Comment: This sequence change replaces cysteine, which is neutral and slightly polar, with arginine, which is basic and polar, at codon 572 of the CCDC40 protein (p.Cys572Arg). This variant is present in population databases (rs199786478, gnomAD 0.2%). This variant has not been reported in the literature in individuals affected with CCDC40-related conditions. ClinVar contains an entry for this variant (Variation ID: 407765). Advanced modeling of protein sequence and biophysical properties (such as structural, functional, and spatial information, amino acid conservation, physicochemical variation, residue mobility, and thermodynamic stability) performed at Invitae indicates that this missense variant is expected to disrupt CCDC40 protein function with a positive predictive value of 80%. In summary, the available evidence is currently insufficient to determine the role of this variant in disease. Therefore, it has been classified as a Variant of Uncertain Significance.

GeneDx
Classification: Uncertain significance. Last evaluated: 2023-08-17. Review status: criteria provided, single submitter. Criteria: GeneDx Variant Classification Process June 2021. Collection method: clinical testing. Allele origin: germline. Affected: yes.
Comment: In silico analysis, which includes protein predictors and evolutionary conservation, supports a deleterious effect; Has not been previously published as pathogenic or benign to our knowledge